The following is an entry in ClinVar:

NC_000016.9:g.(?_8829597)_(8862850_?)dup

Gene: ABAT (4-aminobutyrate aminotransferase; plus strand). Cytogenetic location: 16p13.2.
Variant type: Duplication.
Identifiers: ClinVar variation 1444833 (VCV001444833.5).

ClinVar aggregate classification (germline): Uncertain significance (1 of 4 stars; one submission).

Conditions:
Gamma-aminobutyric acid transaminase deficiency (GABATD). Also called: GABA transaminase deficiency; Gamma aminobutyrate transaminase deficiency; 4 alpha aminobutyrate transaminase deficiency; GABA aminotransaminase deficiency. Identifiers: Orphanet 2066, MedGen C0342708, MONDO:0013166, OMIM 613163.

Submission:

Labcorp Genetics (formerly Invitae), Labcorp
Classification: Uncertain significance for Gamma-aminobutyric acid transaminase deficiency. Last evaluated: 2021-06-27. Review status: criteria provided, single submitter. Criteria: Invitae Variant Classification Sherloc (09022015). Collection method: clinical testing. Allele origin: germline.
Comment: This variant results in a copy number gain of the genomic region encompassing exon(s) 2-11 of the ABAT gene. This region includes the initiator codon of the gene. The 5' end of this event is unknown as it extends beyond the assayed region for this gene and therefore may encompass additional genes. The 3' boundary is likely confined to intron 11 of the ABAT gene. As the precise location of this event is unknown, it may be in tandem or it may be located elsewhere in the genome. This variant has not been reported in the literature in individuals affected with ABAT-related conditions. Experimental studies and prediction algorithms are not available or were not evaluated, and the functional significance of this variant is currently unknown. In summary, the available evidence is currently insufficient to determine the role of this variant in disease. Therefore, it has been classified as a Variant of Uncertain Significance.